The following is an entry in ClinVar:

ClinVar aggregate classification (germline): Benign (1 of 4 stars; one submission).

Allele frequency attached by ClinVar (database versions not stated): TOPMed 0.39484; gnomAD 0.40041 and 0.40721; 1000 Genomes Project 30x 0.40256; 1000 Genomes Project 0.41054.
gnomAD v4.1: 61,946 of 152,120 alleles (41%); highest among the groups gnomAD compares: South Asian, 51%; 13,350 homozygotes.

Submission:

GeneDx
Classification: Benign. Last evaluated: 2018-06-14. Review status: criteria provided, single submitter. Criteria: GeneDx Variant Classification (06012015). Collection method: clinical testing. Allele origin: germline. Affected: yes.
Comment: This variant is considered likely benign or benign based on one or more of the following criteria: it is a conservative change, it occurs at a poorly conserved position in the protein, it is predicted to be benign by multiple in silico algorithms, and/or has population frequency not consistent with disease.

NM_000288.4(PEX7):c.527-159T>A

Gene: PEX7 (peroxisomal biogenesis factor 7; plus strand). Cytogenetic location: 6q23.3.
Variant type: single nucleotide variant.
Coding change: c.527-159T>A on transcript NM_000288.4 (MANE Select); 159 bases into the intron before coding-DNA position 527, T replaced by A.
Molecular consequence: intron variant.
Genome position (GRCh38, 1-based): chr6:136,866,468, T>A. VCF-style: chr6-136866468-T-A. GRCh37 (hg19) VCF-style: chr6-137187606-T-A.
Identifiers: ClinVar variation 667824 (VCV000667824.1), dbSNP rs1884939, ClinGen allele CA12209448.